The following continues an entry in ClinVar:

NM_020975.6(RET):c.2671T>G (p.Ser891Ala)

Gene: RET. ClinVar aggregate classification (germline): Pathogenic. Pathogenic (27).

Submissions 18 to 30 of 30:

Women's Health and Genetics/Laboratory Corporation of America, LabCorp
Classification: Pathogenic for MEN2 phenotype: Unclassified. Last evaluated: 2021-12-23. Review status: criteria provided, single submitter. Criteria: LabCorp Variant Classification Summary - May 2015. Collection method: clinical testing. Allele origin: germline.
Comment: Variant summary: RET c.2671T>G (p.Ser891Ala) results in a conservative amino acid change located in the protein kinase domain (IPR000719) of the encoded protein sequence. Three of five in-silico tools predict a damaging effect of the variant on protein function. The variant allele was found at a frequency of 1.2e-05 in 250656 control chromosomes. c.2671T>G has been widely reported in the literature in multiple individuals undergoing evaluation for medullary carcinoma of the thyroid (MTC), pheochromocytoma (PHEO) and primary hyperparathyroidism (example, Hofstra_1997, Schulte_2010). These data indicate that the variant is very likely to be associated with disease. Several publications report experimental evidence evaluating an impact on protein function (example, Iwashita_1999, Plaza-Menacho_2007). The most pronounced variant effect results in increased transforming activity and constitutive kinase activity as monitored by RET phosphorylation and downstream phosphorylation of ERK 1/2. These findings are consistent with the established gain of function mechanism of disease. Multiple clinical diagnostic laboratories have submitted clinical-significance assessments for this variant to ClinVar after 2014. All submitters classified the variant as pathogenic/likely pathogenic. Based on the evidence outlined above, the variant was classified as pathogenic.

Fulgent Genetics
Classification: Pathogenic for Hirschsprung disease, susceptibility to, 1; Familial medullary thyroid carcinoma; Multiple endocrine neoplasia type 2B; Pheochromocytoma; Multiple endocrine neoplasia type 2A. Last evaluated: 2021-08-02. Review status: criteria provided, single submitter. Criteria: ACMG Guidelines, 2015. Collection method: clinical testing. Allele origin: unknown.

GeneDx
Classification: Pathogenic. Last evaluated: 2020-12-10. Review status: criteria provided, single submitter. Criteria: GeneDx Variant Classification Process June 2021. Collection method: clinical testing. Allele origin: germline. Affected: yes.
Comment: Published functional studies demonstrate a damaging effect: reduced transforming activity in vitro (Iwashita 1999, Colombo 2015); In silico analysis supports a deleterious effect on protein structure/function; This variant is associated with the following publications: (PMID: 10445857, 15753368, 11849247, 31447099, 15184865, 17895320, 23295303, 9398735, 18062802, 24845513, 20554711, 24449023, 15292360, 26356818, 27809725, 28647780, 28609830, 28729773, 17178962, 12686527, 25810047, 19469690, 11739416, 20516206, 10024437, 17209045, 25887804, 29727688, 30927507, 30763276, 31510104, 32179705)

Department of Molecular Diagnostics, Institute of Oncology Ljubljana
Classification: Pathogenic for Familial medullary thyroid carcinoma. Last evaluated: 2020-04-02. Review status: criteria provided, single submitter. Criteria: ACMG Guidelines, 2015. Collection method: clinical testing. Allele origin: germline. Affected: yes.

Revvity Omics, Revvity
Classification: Pathogenic. Last evaluated: 2019-05-07. Review status: criteria provided, single submitter. Criteria: ACMG Guidelines, 2015. Collection method: clinical testing. Allele origin: germline.

Clinical Genetics and Genomics, Karolinska University Hospital
Classification: Pathogenic. Last evaluated: 2018-05-16. Review status: criteria provided, single submitter. Criteria: ACMG Guidelines, 2015. Collection method: clinical testing. Allele origin: germline. Affected: yes. Observed: 1 variant allele.

Laboratory for Molecular Medicine, Mass General Brigham Personalized Medicine
Classification: Pathogenic for Multiple endocrine neoplasia, type 2. Last evaluated: 2017-06-20. Review status: criteria provided, single submitter. Criteria: LMM Criteria. Collection method: clinical testing. Allele origin: germline. Inheritance: Autosomal dominant inheritance. Observed: 17 variant alleles.
Comment: The p.Ser891Ala variant in RET is an established pathogenic variant for multiple endocrine neoplasia type 2 (MEN2). It accounts for up to 5% of all patients re ported with RET mutations and has been shown to segregate with disease in at lea st 15 affected individuals across several families. This variant has been report ed in ClinVar (Variation ID 13951) and is classified by the American Thyroid Ass ociation as imparting a moderate risk to developing aggressive medullary thyroid carcinoma (Wells 2015). Most individuals with this variant have familial medull ary thyroid carcinoma (Hofstra 1997, Dang 1999, Yip 2003, Jimenez 2004, Elisei 2 007, Romei 2010, Blom 2012, Qi 2014), although at least 8 individuals were diagn osed with MEN2A (Asari 2006, Machens 2008, Schulte 2010, Hibi 2014). This varian t was absent from large population studies. In vitro functional studies provide some evidence that the p.Ser891Ala variant may impact protein function (Iwashita 1999, Plaza Menacho 2005, Colombo 2015). In summary, this variant meets criteri a to be classified as pathogenic for MEN2 in an autosomal dominant manner based upon multiple case reports, functional evidence, and absence from controls. ACMG /AMP criteria applied: PS4, PP1_Strong, PM2, PS3_Supporting (Richards 2015).

Center for Human Genetics, Inc
Classification: Pathogenic for Multiple endocrine neoplasia type 2A. Last evaluated: 2016-11-01. Review status: criteria provided, single submitter. Criteria: ACMG Guidelines, 2015. Collection method: clinical testing. Allele origin: germline. Affected: yes.

Genetic Services Laboratory, University of Chicago
Classification: Pathogenic for Multiple endocrine neoplasia IIA. Last evaluated: 2014-10-20. Review status: criteria provided, single submitter. Criteria: ACMG Guidelines, 2015. Collection method: clinical testing. Allele origin: germline. Affected: yes.

Juno Genomics, Hangzhou Juno Genomics, Inc
Classification: Pathogenic for Familial medullary thyroid carcinoma; Multiple endocrine neoplasia type 2A; Multiple endocrine neoplasia type 2B. Review status: criteria provided, single submitter. Criteria: ACMG Guidelines, 2015. Collection method: clinical testing. Allele origin: germline.
Comment: Absent from controls (or at extremely low frequency if recessive) in Genome Aggregation Database.;Multiple lines of computational evidence support a deleterious effect on the gene or gene product.;The prevalence of the variant in affected individuals is significantly increased compared to the prevalence in controls.;Co-segregation with disease in multiple affected family members.

PreventionGenetics, part of Exact Sciences
Classification: Pathogenic for RET-related condition. Last evaluated: 2024-08-13. Review status: no assertion criteria provided. Collection method: clinical testing. Allele origin: germline. Not counted in ClinVar's aggregate classification.
Comment: The RET c.2671T>G variant is predicted to result in the amino acid substitution p.Ser891Ala. This variant has been reported in many related and unrelated individuals with thyroid cancer (see for example, Qi et al. 2015. PubMed ID: 26356818; Staples et al. 2018. PubMed ID: 29727688; Maciel et al. 2019. PubMed ID: 30763276; Giacché et al. 2019. PubMed ID: 30927507) and was reported as a founder variant for medullary thyroid cancer in Northern Italy (Giacché et al. 2019. PubMed ID: 30927507). This variant is classified as a moderate risk variant for aggressive medullary thyroid carcinoma with a low incidence (~10%) of pheochromocytoma or hyperparathyroidism by the American Thyroid Association (Wells et al. 2015. PubMed ID: 25810047). This variant falls within the kinase domain of the RET protein, and an in vitro study showed this variant results in low transforming activity and is associated with the development of familial medullary thyroid carcinoma (FMTC; Iwashita et al. 1999. PubMed ID: 10445857). This variant has been reported in 0.00579% of individuals of AdMixed American descent in GnomAD. This variant is interpreted as pathogenic.

OMIM
Classification: Pathogenic for MULTIPLE ENDOCRINE NEOPLASIA, TYPE IIA. Last evaluated: 2004-08-01. Review status: no assertion criteria provided. Collection method: literature only. Allele origin: germline. Not counted in ClinVar's aggregate classification.

OMIM
Classification: Pathogenic for THYROID CARCINOMA, FAMILIAL MEDULLARY. Last evaluated: 2004-08-01. Review status: no assertion criteria provided. Collection method: literature only. Allele origin: germline. Not counted in ClinVar's aggregate classification.

Literature cited by the submitters: PubMed 9398735 (cited by 9 submitters); PubMed 11739416 (cited by Labcorp Genetics (formerly Invitae), Labcorp); PubMed 19469690 (cited by Labcorp Genetics (formerly Invitae), Labcorp); PubMed 20554711 (cited by 7 submitters); PubMed 23295303 (cited by 5 submitters); PubMed 24449023 (cited by 6 submitters); PubMed 24845513 (cited by 4 submitters); PubMed 25810047 (cited by 5 submitters); PubMed 10445857 (cited by 8 submitters); PubMed 17209045 (cited by 6 submitters); PubMed 26356818 (cited by 5 submitters); PubMed 20516206 (cited by 4 submitters); PubMed 15292360 (cited by 7 submitters); PubMed 10024437 (cited by 4 submitters); PubMed 15753368 (cited by 5 submitters); PubMed 28647780 (cited by 4 submitters); PubMed 30763276 (cited by 3 submitters); PubMed 31510104 (cited by 3 submitters); PubMed 32179705 (cited by Ambry Genetics and Athena Diagnostics); PubMed 33827484 (cited by Ambry Genetics); PubMed 17178962 (cited by 3 submitters); PubMed 17895320 (cited by 4 submitters); PubMed 18062802 (cited by 3 submitters); PubMed 25887804 (cited by 5 submitters); PubMed 30927507 (cited by 4 submitters); PubMed 16469774 (cited by Myriad Genetics, Inc. and Quest Diagnostics Nichols Institute San Juan Capistrano); PubMed 11849247 (cited by Athena Diagnostics and Women's Health and Genetics/Laboratory Corporation of America, LabCorp); PubMed 33340421 (cited by Athena Diagnostics); PubMed 12920219 (cited by Athena Diagnostics and Women's Health and Genetics/Laboratory Corporation of America, LabCorp); PubMed 28951487 (cited by Quest Diagnostics Nichols Institute San Juan Capistrano); PubMed 28323957 (cited by Quest Diagnostics Nichols Institute San Juan Capistrano); PubMed 10076558 (cited by Quest Diagnostics Nichols Institute San Juan Capistrano); PubMed 15277225 (cited by Quest Diagnostics Nichols Institute San Juan Capistrano); PubMed 26046350 (cited by Quest Diagnostics Nichols Institute San Juan Capistrano); PubMed 11688458 (cited by Women's Health and Genetics/Laboratory Corporation of America, LabCorp); PubMed 15588381 (cited by Women's Health and Genetics/Laboratory Corporation of America, LabCorp); PubMed 16525712 (cited by Women's Health and Genetics/Laboratory Corporation of America, LabCorp); PubMed 16849421 (cited by Women's Health and Genetics/Laboratory Corporation of America, LabCorp); PubMed 16868135 (cited by Women's Health and Genetics/Laboratory Corporation of America, LabCorp); PubMed 17590169 (cited by Women's Health and Genetics/Laboratory Corporation of America, LabCorp); PubMed 16532227 (cited by Women's Health and Genetics/Laboratory Corporation of America, LabCorp); PubMed 17664273 (cited by Women's Health and Genetics/Laboratory Corporation of America, LabCorp); PubMed 17704047 (cited by Women's Health and Genetics/Laboratory Corporation of America, LabCorp); PubMed 16928683 (cited by Women's Health and Genetics/Laboratory Corporation of America, LabCorp); PubMed 17605401 (cited by Women's Health and Genetics/Laboratory Corporation of America, LabCorp); PubMed 12686527 (cited by Laboratory for Molecular Medicine, Mass General Brigham Personalized Medicine); PubMed 14602786 (cited by OMIM).